The following is an entry in ClinVar:

NM_006208.3(ENPP1):c.134C>A (p.Ala45Glu)

Gene: ENPP1 (ectonucleotide pyrophosphatase/phosphodiesterase 1; plus strand). Cytogenetic location: 6q23.2.
Variant type: single nucleotide variant.
Coding change: c.134C>A on transcript NM_006208.3 (MANE Select); coding-DNA position 134, C replaced by A.
Protein change: p.Ala45Glu; replaces alanine 45 with glutamic acid.
Molecular consequence: missense variant.
Genome position (GRCh38, 1-based): chr6:131,808,169, C>A. VCF-style: chr6-131808169-C-A. GRCh37 (hg19) VCF-style: chr6-132129309-C-A.
Other names: c.134C>A (NM_006208.2); short protein forms A45E.
Identifiers: ClinVar variation 2909696 (VCV002909696.4), dbSNP rs1393110344, ClinGen allele CA365661928.

ClinVar aggregate classification (germline): Uncertain significance. Review status: criteria provided, multiple submitters, no conflicts (2 of 4 stars). 2 submissions from 2 submitters: Uncertain significance (2). Last evaluated 2023-12-07.

Conditions:
Inborn genetic diseases. Identifiers: MedGen C0950123, MeSH D030342.

gnomAD v4.1: 12 of 1,459,848 alleles (0.00082%); highest among the groups gnomAD compares: Non-Finnish European, 0.0011%; no homozygotes.

Submissions (2):

Ambry Genetics
Classification: Uncertain significance for Inborn genetic diseases. Last evaluated: 2023-12-07. Review status: criteria provided, single submitter. Criteria: Ambry Variant Classification Scheme 2023. Collection method: clinical testing. Allele origin: germline.

Labcorp Genetics (formerly Invitae), Labcorp
Classification: Uncertain significance. Last evaluated: 2023-04-26. Review status: criteria provided, single submitter. Criteria: Invitae Variant Classification Sherloc (09022015). Collection method: clinical testing. Allele origin: germline.
Comment: An algorithm developed to predict the effect of missense changes on protein structure and function (PolyPhen-2) suggests that this variant is likely to be tolerated. In summary, the available evidence is currently insufficient to determine the role of this variant in disease. Therefore, it has been classified as a Variant of Uncertain Significance. This variant has not been reported in the literature in individuals affected with ENPP1-related conditions. This variant is not present in population databases (gnomAD no frequency). This sequence change replaces alanine, which is neutral and non-polar, with glutamic acid, which is acidic and polar, at codon 45 of the ENPP1 protein (p.Ala45Glu).